The following is an entry in ClinVar:

ClinVar aggregate classification (germline): Likely pathogenic (1 of 4 stars; one submission).

Conditions:
Congenital stationary night blindness 1C. Also called: Night blindness, congenital stationary (complete), 1C, autosomal recessive. Identifiers: Orphanet 215, MedGen C2750747, MONDO:0013183, OMIM 613216.

Submission:

SN ONGC Dept of Genetics and Molecular biology Vision Research Foundation
Classification: Likely pathogenic for Congenital stationary night blindness 1C. Last evaluated: 2024-10-23. Review status: criteria provided, single submitter. Criteria: ACMG Guidelines, 2015. Collection method: research. Allele origin: biparental. Inheritance: Autosomal recessive inheritance. Affected: yes. Observed: 1 compound heterozygote.
Comment: In an Indian study, the p.(L33P) variant in GNAT1 was identified in a heterozygous state, along with another heterozygous variant, p.(K42E), from exon 2, suggesting a likely compound heterozygous pattern. Both variants were found to segregate with the parents and were not detected in a screening of 100 control samples.

NM_144499.3(GNAT1):c.98T>C (p.Leu33Pro)

Gene: GNAT1 (G protein subunit alpha transducin 1; plus strand). Cytogenetic location: 3p21.31.
Variant type: single nucleotide variant.
Coding change: c.98T>C on transcript NM_144499.3 (MANE Select); coding-DNA position 98, T replaced by C.
Protein change: p.Leu33Pro; replaces leucine 33 with proline.
Molecular consequence: missense variant.
Genome position (GRCh38, 1-based): chr3:50,191,823, T>C. VCF-style: chr3-50191823-T-C. GRCh37 (hg19) VCF-style: chr3-50229256-T-C.
Other names: c.98T>C, p.Leu33Pro (NM_000172.4); short protein forms L33P.
Identifiers: ClinVar variation 3366905 (VCV003366905.2).